The following is an entry in ClinVar:

ClinVar aggregate classification (germline): Benign. Review status: criteria provided, multiple submitters, no conflicts (2 of 4 stars). 3 submissions from 3 submitters: Benign (2). 1 of the submissions does not count toward it. Last evaluated 2018-06-05.

Conditions:
CLPTM1-related disorder. Also called: CLPTM1-related condition.

Allele frequency attached by ClinVar (database versions not stated): gnomAD exomes 0.00031 and 0.00088; ExAC 0.00105; 1000 Genomes Project 30x 0.00219; 1000 Genomes Project 0.00220; gnomAD 0.00288 and 0.00313; TOPMed 0.00342; ESP Exome Variant Server 0.00438.
gnomAD v4.1: 907 of 1,608,508 alleles (0.056%); highest among the groups gnomAD compares: African/African-American, 1%; 5 homozygotes.

Submissions (3):

Labcorp Genetics (formerly Invitae), Labcorp
Classification: Benign. Last evaluated: 2018-06-05. Review status: criteria provided, single submitter. Criteria: Invitae Variant Classification Sherloc (09022015). Collection method: clinical testing. Allele origin: germline.

Breakthrough Genomics
Classification: Benign. Review status: criteria provided, single submitter. Criteria: ACMG Guidelines, 2015. Collection method: not provided. Allele origin: germline. Inheritance: Unknown mechanism. Affected: yes.

PreventionGenetics, part of Exact Sciences
Classification: Benign for CLPTM1-related condition. Last evaluated: 2019-10-04. Review status: no assertion criteria provided. Collection method: clinical testing. Allele origin: germline. Not counted in ClinVar's aggregate classification.
Comment: This variant is classified as benign based on ACMG/AMP sequence variant interpretation guidelines (Richards et al. 2015 PMID: 25741868, with internal and published modifications).

NM_001294.4(CLPTM1):c.556C>T (p.Arg186Cys)

Gene: CLPTM1 (CLPTM1 regulator of GABA type A receptor forward trafficking; plus strand). Cytogenetic location: 19q13.32.
Variant type: single nucleotide variant.
Coding change: c.556C>T on transcript NM_001294.4 (MANE Select); coding-DNA position 556, C replaced by T.
Protein change: p.Arg186Cys; replaces arginine 186 with cysteine.
Molecular consequence: missense variant.
Genome position (GRCh38, 1-based): chr19:44,977,430, C>T. VCF-style: chr19-44977430-C-T. GRCh37 (hg19) VCF-style: chr19-45480687-C-T.
Other names: c.514C>T, p.Arg172Cys (NM_001282175.2); c.250C>T, p.Arg84Cys (NM_001282176.2); short protein forms R172C, R186C, R84C.
Identifiers: ClinVar variation 714889 (VCV000714889.6), dbSNP rs137904804, ClinGen allele CA9506873.